The following is an entry in ClinVar:

NM_004006.3(DMD):c.3676G>C (p.Ala1226Pro)

Gene: DMD (dystrophin; minus strand). Cytogenetic location: Xp21.1.
Variant type: single nucleotide variant.
Coding change: c.3676G>C on transcript NM_004006.3 (MANE Select); coding-DNA position 3676, G replaced by C.
Protein change: p.Ala1226Pro; replaces alanine 1226 with proline.
Molecular consequence: missense variant.
Genome position (GRCh38, 1-based): chrX:32,448,566, C>G on the plus strand (G>C on the coding strand, the complement: DMD is on the minus strand). VCF-style: chrX-32448566-C-G. GRCh37 (hg19) VCF-style: chrX-32466683-C-G.
Other names: c.3652G>C, p.Ala1218Pro (NM_000109.4); c.3664G>C, p.Ala1222Pro (NM_004009.3); c.3307G>C, p.Ala1103Pro (NM_004010.3); short protein forms A1103P, A1222P, A1226P, A1218P.
Identifiers: ClinVar variation 3716231 (VCV003716231.2).

ClinVar aggregate classification (germline): Uncertain significance (1 of 4 stars; one submission).

Conditions:
Duchenne muscular dystrophy (DMD). Also called: Duchenne Muscular Dystrophy (DMD); MUSCULAR DYSTROPHY, PSEUDOHYPERTROPHIC PROGRESSIVE, DUCHENNE TYPE. Identifiers: Orphanet 98896, MedGen C0013264, MONDO:0010679, OMIM 310200.

gnomAD v4.1: 3 of 1,208,651 alleles (0.00025%); highest among the groups gnomAD compares: Admixed American, 0.0044%; no homozygotes.

Submission:

Labcorp Genetics (formerly Invitae), Labcorp
Classification: Uncertain significance for Duchenne muscular dystrophy. Last evaluated: 2024-08-29. Review status: criteria provided, single submitter. Criteria: Invitae Variant Classification Sherloc (09022015). Collection method: clinical testing. Allele origin: germline.
Comment: This sequence change replaces alanine, which is neutral and non-polar, with proline, which is neutral and non-polar, at codon 1226 of the DMD protein (p.Ala1226Pro). This variant is not present in population databases (gnomAD no frequency). This variant has not been reported in the literature in individuals affected with DMD-related conditions. Invitae Evidence Modeling of protein sequence and biophysical properties (such as structural, functional, and spatial information, amino acid conservation, physicochemical variation, residue mobility, and thermodynamic stability) indicates that this missense variant is not expected to disrupt DMD protein function with a negative predictive value of 95%. In summary, the available evidence is currently insufficient to determine the role of this variant in disease. Therefore, it has been classified as a Variant of Uncertain Significance.